The following is an entry in ClinVar:

NM_001368894.2(PAX6):c.703C>T (p.Gln235Ter)

Gene: PAX6 (paired box 6; minus strand). Cytogenetic location: 11p13.
Variant type: single nucleotide variant.
Coding change: c.703C>T on transcript NM_001368894.2 (MANE Select); coding-DNA position 703, C replaced by T.
Protein change: p.Gln235Ter; replaces glutamine 235 with a stop codon.
Molecular consequence: nonsense. On other transcripts: non-coding transcript variant (2).
Genome position (GRCh38, 1-based): chr11:31,794,651, G>A on the plus strand (C>T on the coding strand, the complement: PAX6 is on the minus strand). VCF-style: chr11-31794651-G-A. GRCh37 (hg19) VCF-style: chr11-31816199-G-A.
Other names: c.253C>T, p.Gln85Ter (NM_001368905.2, NM_001368906.2, NM_001368907.2 and 11 more transcripts); c.904C>T, p.Gln302Ter (NM_001368910.2); c.706C>T, p.Gln236Ter (NM_001368911.2); c.703C>T, p.Gln235Ter (NM_001368912.2, NM_001368913.2, NM_001368914.2 and 6 more transcripts); c.661C>T, p.Gln221Ter (NM_001368915.2, NM_001368916.2, NM_001368917.2 and 10 more transcripts); c.778C>T, p.Gln260Ter (NM_001368918.2, NM_001368919.2); c.736C>T, p.Gln246Ter (NM_001368920.2); c.502C>T, p.Gln168Ter (NM_001368921.2, NM_001368922.2, NM_001368923.2 and 4 more transcripts); and 2 more; short protein forms Q221*, Q235*, Q154*, Q168*, Q246*, Q302*, Q20*, Q236*.
Identifiers: ClinVar variation 430999 (VCV000430999.8), dbSNP rs1131692309, ClinGen allele CA379956848.
Genomic context (GRCh38, chr11:31,794,651, plus strand): 5'-TTTGATTTACTGCTTCTCTACTTTGAAAAACTCTATCACCTTTCTCCAGGGCCTCAATTT[G>A]CTCTTGGGTAAAGGATGTTCTATTTCTTTGCAGCTTCCGCTTCAGCTGAAGTCGCATTTG-3'

ClinVar aggregate classification (germline): Pathogenic. Review status: criteria provided, single submitter (1 of 4 stars). 3 submissions from 3 submitters: Pathogenic (1). 2 of the submissions do not count toward it. Last evaluated 2022-09-27.

Conditions:
Aniridia 1 (AN1). Identifiers: Orphanet 250923, MedGen C0344542, MONDO:0024507, OMIM 106210.
Irido-corneo-trabecular dysgenesis (ASGD5). Also called: ANTERIOR SEGMENT DYSGENESIS 5. Identifiers: Orphanet 708, MedGen C0344559, MONDO:0011414, OMIM 604229, HP:0000659.

Submissions (3):

Labcorp Genetics (formerly Invitae), Labcorp
Classification: Pathogenic for Aniridia 1; Irido-corneo-trabecular dysgenesis. Last evaluated: 2022-09-27. Review status: criteria provided, single submitter. Criteria: Invitae Variant Classification Sherloc (09022015). Collection method: clinical testing. Allele origin: germline.
Comment: Algorithms developed to predict the effect of sequence changes on RNA splicing suggest that this variant may create or strengthen a splice site. ClinVar contains an entry for this variant (Variation ID: 430999). This premature translational stop signal has been observed in individual(s) with aniridia (PMID: 12782766, 32360764). This variant is not present in population databases (gnomAD no frequency). This sequence change creates a premature translational stop signal (p.Gln221*) in the PAX6 gene. It is expected to result in an absent or disrupted protein product. Loss-of-function variants in PAX6 are known to be pathogenic (PMID: 12634864). For these reasons, this variant has been classified as Pathogenic.

Wessex Regional Genetics Laboratory, Salisbury District Hospital
Classification: Pathogenic for Aniridia 1. Last evaluated: 2019-08-15. Review status: no assertion criteria provided. Criteria: ACMG Guidelines, 2015. Collection method: clinical testing. Allele origin: unknown. Inheritance: Autosomal dominant inheritance. Affected: yes. Not counted in ClinVar's aggregate classification.

Laboratory of Genetic Epidemiology, Research Centre for Medical Genetics
Classification: Pathogenic for Aniridia 1. Review status: no assertion criteria provided. Collection method: research. Allele origin: de novo. Inheritance: Autosomal dominant inheritance. Affected: yes. Observed: 1 heterozygote. Not counted in ClinVar's aggregate classification.

Literature cited by the submitters: PubMed 12782766 (cited by Labcorp Genetics (formerly Invitae), Labcorp); PubMed 32360764 (cited by Labcorp Genetics (formerly Invitae), Labcorp); PubMed 12634864 (cited by Labcorp Genetics (formerly Invitae), Labcorp); PubMed 28321846 (cited by Laboratory of Genetic Epidemiology, Research Centre for Medical Genetics).